The following is an entry in ClinVar:

ClinVar aggregate classification (germline): Likely pathogenic (1 of 4 stars; one submission).

Conditions:
Medium-chain acyl-coenzyme A dehydrogenase deficiency (ACADMD). Also called: ACADM DEFICIENCY; CARNITINE DEFICIENCY SECONDARY TO MEDIUM-CHAIN ACYL-CoA DEHYDROGENASE DEFICIENCY; Medium chain acyl-CoA dehydrogenase deficiency; MCADH DEFICIENCY; MCADD; MCAD Deficiency. Identifiers: Orphanet 42, MedGen C0220710, MONDO:0008721, OMIM 201450.

Submission:

Natera, Inc.
Classification: Likely pathogenic for Medium Chain Acyl-CoA Dehydrogenase Deficiency. Last evaluated: 2025-08-19. Review status: criteria provided, single submitter. Criteria: Natera Variant Classification Schema (03/2026). Collection method: clinical testing. Allele origin: germline.
Comment: The c.991G>T variant in ACADM is a nonsense variant predicted to introduce a stop codon at amino acid 331. This variant is expected to result in nonsense mediated decay, truncation, or a dysfunctional protein product. This variant is rare in the general population with a frequency below the threshold expected for the associated phenotype(s). Given the available evidence, this variant is classified as Likely Pathogenic.

NM_000016.6(ACADM):c.991G>T (p.Glu331Ter)

Gene: ACADM (acyl-CoA dehydrogenase medium chain; plus strand). Cytogenetic location: 1p31.1.
Variant type: single nucleotide variant.
Coding change: c.991G>T on transcript NM_000016.6 (MANE Select); coding-DNA position 991, G replaced by T.
Protein change: p.Glu331Ter; replaces glutamic acid 331 with a stop codon.
Molecular consequence: nonsense.
Genome position (GRCh38, 1-based): chr1:75,761,167, G>T. VCF-style: chr1-75761167-G-T. GRCh37 (hg19) VCF-style: chr1-76226852-G-T.
Other names: c.1003G>T, p.Glu335Ter (NM_001127328.3); c.883G>T, p.Glu295Ter (NM_001286042.2); c.1090G>T, p.Glu364Ter (NM_001286043.2); c.424G>T, p.Glu142Ter (NM_001286044.2); short protein forms E142*, E295*, E331*, E335*, E364*.
Identifiers: ClinVar variation 4817109 (VCV004817109.1).